The following is an entry in ClinVar:

NM_003119.4(SPG7):c.1422C>G (p.His474Gln)

Gene: SPG7 (SPG7 matrix AAA peptidase subunit, paraplegin; plus strand). Cytogenetic location: 16q24.3.
Variant type: single nucleotide variant.
Coding change: c.1422C>G on transcript NM_003119.4 (MANE Select); coding-DNA position 1422, C replaced by G.
Protein change: p.His474Gln; replaces histidine 474 with glutamine.
Molecular consequence: missense variant.
Genome position (GRCh38, 1-based): chr16:89,544,745, C>G. VCF-style: chr16-89544745-C-G. GRCh37 (hg19) VCF-style: chr16-89611153-C-G.
Other names: c.1422C>G, p.His474Gln (NM_001363850.1); short protein forms H474Q.
Identifiers: ClinVar variation 1500914 (VCV001500914.6), dbSNP rs201482100, ClinGen allele CA397425416.

ClinVar aggregate classification (germline): Uncertain significance (1 of 4 stars; one submission).

Conditions:
Hereditary spastic paraplegia 7 (SPG7). Also called: SPASTIC PARAPLEGIA 7, AUTOSOMAL RECESSIVE, WITH OR WITHOUT CEREBELLAR ATAXIA; Spastic paraplegia 7; Hereditary spastic paraplegia Paraplegin type; Autosomal recessive spastic paraplegia type 7; SPG7-related neurologic disorder. Identifiers: Orphanet 99013, MedGen C1846564, MONDO:0011803, OMIM 607259.

gnomAD v4.1: 1 of 1,614,118 alleles (0.000062%); highest among the groups gnomAD compares: Non-Finnish European, 0.000085%; no homozygotes.

Submission:

Labcorp Genetics (formerly Invitae), Labcorp
Classification: Uncertain significance for Hereditary spastic paraplegia 7. Last evaluated: 2022-10-13. Review status: criteria provided, single submitter. Criteria: Invitae Variant Classification Sherloc (09022015). Collection method: clinical testing. Allele origin: germline.
Comment: In summary, the available evidence is currently insufficient to determine the role of this variant in disease. Therefore, it has been classified as a Variant of Uncertain Significance. Advanced modeling of protein sequence and biophysical properties (such as structural, functional, and spatial information, amino acid conservation, physicochemical variation, residue mobility, and thermodynamic stability) performed at Invitae indicates that this missense variant is not expected to disrupt SPG7 protein function. ClinVar contains an entry for this variant (Variation ID: 1500914). This variant has not been reported in the literature in individuals affected with SPG7-related conditions. This variant is not present in population databases (gnomAD no frequency). This sequence change replaces histidine, which is basic and polar, with glutamine, which is neutral and polar, at codon 474 of the SPG7 protein (p.His474Gln).